The following is an entry in ClinVar:

ClinVar aggregate classification (germline): Uncertain significance (1 of 4 stars; one submission).

Conditions:
Chondrodysplasia punctata, brachytelephalangic, autosomal. Also called: BRACHYTELEPHALANGIC CHONDRODYSPLASIA PUNCTATA. Identifiers: MedGen C1844853, MONDO:0011238, OMIM 602497.

Submission:

Labcorp Genetics (formerly Invitae), Labcorp
Classification: Uncertain significance for Chondrodysplasia punctata, brachytelephalangic, autosomal. Last evaluated: 2025-08-11. Review status: criteria provided, single submitter. Criteria: Invitae Variant Classification Sherloc (09022015). Collection method: clinical testing. Allele origin: germline.
Comment: This sequence change replaces cysteine, which is neutral and slightly polar, with serine, which is neutral and polar, at codon 10 of the ARSE protein (p.Cys10Ser). This variant is not present in population databases (gnomAD no frequency). This variant has not been reported in the literature in individuals affected with ARSE-related conditions. An algorithm developed to predict the effect of missense changes on protein structure and function outputs the following: PolyPhen-2: "Benign". The serine amino acid residue is found in multiple mammalian species, which suggests that this missense change does not adversely affect protein function. Algorithms developed to predict the effect of sequence changes on RNA splicing suggest that this variant may disrupt the consensus splice site. In summary, the available evidence is currently insufficient to determine the role of this variant in disease. Therefore, it has been classified as a Variant of Uncertain Significance.

NM_000047.3(ARSL):c.28T>A (p.Cys10Ser)

Gene: ARSL (arylsulfatase L; minus strand). Cytogenetic location: Xp22.33.
Variant type: single nucleotide variant.
Coding change: c.28T>A on transcript NM_000047.3 (MANE Select); coding-DNA position 28, T replaced by A.
Protein change: p.Cys10Ser; replaces cysteine 10 with serine.
Molecular consequence: missense variant. On other transcripts: intron variant (2).
Genome position (GRCh38, 1-based): chrX:2,958,431, A>T on the plus strand (T>A on the coding strand, the complement: ARSL is on the minus strand). VCF-style: chrX-2958431-A-T. GRCh37 (hg19) VCF-style: chrX-2876472-A-T.
Other names: c.103T>A, p.Cys35Ser (NM_001282628.2, NM_001369080.1); c.55T>A, p.Cys19Ser (NM_001369079.1); c.28T>A, p.Cys10Ser (NM_001440751.1); c.23+1947T>A (NM_001282631.2, NM_001440750.1); short protein forms C10S, C19S, C35S.
Identifiers: ClinVar variation 4765056 (VCV004765056.1).